The following is an entry in ClinVar:

NM_001291303.3(FAT4):c.185G>C (p.Gly62Ala)

Gene: FAT4 (FAT atypical cadherin 4; plus strand). Cytogenetic location: 4q28.1.
Variant type: single nucleotide variant.
Coding change: c.185G>C on transcript NM_001291303.3 (MANE Select); coding-DNA position 185, G replaced by C.
Protein change: p.Gly62Ala; replaces glycine 62 with alanine.
Molecular consequence: missense variant.
Genome position (GRCh38, 1-based): chr4:125,316,596, G>C. VCF-style: chr4-125316596-G-C. GRCh37 (hg19) VCF-style: chr4-126237751-G-C.
Other names: c.185G>C, p.Gly62Ala (NM_001291285.3, NM_024582.6); short protein forms G62A.
Identifiers: ClinVar variation 679813 (VCV000679813.35), dbSNP rs201009019, ClinGen allele CA3071760.

ClinVar aggregate classification (germline): Conflicting classifications of pathogenicity. Review status: criteria provided, conflicting classifications (1 of 4 stars). 6 submissions from 6 submitters: Uncertain significance (1); Likely benign (4). 1 of the submissions does not count toward it. Last evaluated 2026-01-11.

Conditions:
FAT4-related disorder. Also called: FAT4-related condition.
Van Maldergem syndrome 2 (VMLDS2). Identifiers: Orphanet 314679, MedGen C3809875, MONDO:0014242, OMIM 615546.
Hennekam lymphangiectasia-lymphedema syndrome 2 (HKLLS2). Identifiers: Orphanet 2136, MedGen C4014939, MONDO:0014454, OMIM 616006.

Allele frequency attached by ClinVar (database versions not stated): 1000 Genomes Project 30x 0.00031; 1000 Genomes Project 0.00040; gnomAD 0.00045; TOPMed 0.00062; gnomAD exomes 0.00103 and 0.00128; ExAC 0.00105; ESP Exome Variant Server 0.00111.
gnomAD v4.1: 1,960 of 1,613,994 alleles (0.12%); highest among the groups gnomAD compares: South Asian, 0.34%; 5 homozygotes.

Submissions (6):

Labcorp Genetics (formerly Invitae), Labcorp
Classification: Likely benign. Last evaluated: 2026-01-11. Review status: criteria provided, single submitter. Criteria: Invitae Variant Classification Sherloc (09022015). Collection method: clinical testing. Allele origin: germline.

CeGaT Center for Human Genetics Tuebingen
Classification: Likely benign. Last evaluated: 2025-12-01. Review status: criteria provided, single submitter. Criteria: CeGaT Center For Human Genetics Tuebingen Variant Classification Criteria Version 2. Collection method: clinical testing. Allele origin: germline. Affected: yes. Observed: 5 variant alleles.
Comment: FAT4: PP3, BS2

Blueprint Genetics
Classification: Likely benign. Last evaluated: 2024-11-14. Review status: criteria provided, single submitter. Criteria: ACMG Guidelines, 2015. Collection method: clinical testing. Allele origin: germline.

GeneDx
Classification: Likely benign. Last evaluated: 2019-12-30. Review status: criteria provided, single submitter. Criteria: GeneDx Variant Classification Process June 2021. Collection method: clinical testing. Allele origin: germline. Affected: yes.

Center for Genomics, Ann and Robert H. Lurie Children's Hospital of Chicago
Classification: Uncertain significance for Hennekam lymphangiectasia-lymphedema syndrome 2; Van Maldergem syndrome 2. Review status: criteria provided, single submitter. Criteria: ACMG Guidelines, 2015. Collection method: clinical testing. Allele origin: germline.
Comment: FAT4 NM_024582.4 exon 1 p.Gly62Ala (c.185G>C): This variant has not been reported in the literature but is present in 0.3% (115/30602) of South Asian alleles including 2 homozygotes in the Genome Aggregation Database. This variant is present in ClinVar (Variation ID:679813). Evolutionary conservation and computational predictive tools suggest that this variant may impact the protein. In summary, data on this variant is insufficient for disease classification. Therefore, the clinical significance of this variant is uncertain

PreventionGenetics, part of Exact Sciences
Classification: Likely benign for FAT4-related condition. Last evaluated: 2019-09-24. Review status: no assertion criteria provided. Collection method: clinical testing. Allele origin: germline. Not counted in ClinVar's aggregate classification.
Comment: This variant is classified as likely benign based on ACMG/AMP sequence variant interpretation guidelines (Richards et al. 2015 PMID: 25741868, with internal and published modifications).